The following is an entry in ClinVar:

ClinVar aggregate classification (germline): Uncertain significance (1 of 4 stars; one submission).

Allele frequency attached by ClinVar (database versions not stated): gnomAD 0.00001; TOPMed 0.00002.
gnomAD v4.1: 1 of 1,612,754 alleles (0.000062%); highest among the groups gnomAD compares: Non-Finnish European, 0.000085%; no homozygotes.

Submission:

Labcorp Genetics (formerly Invitae), Labcorp
Classification: Uncertain significance. Last evaluated: 2022-06-13. Review status: criteria provided, single submitter. Criteria: Invitae Variant Classification Sherloc (09022015). Collection method: clinical testing. Allele origin: germline.
Comment: This sequence change replaces isoleucine, which is neutral and non-polar, with valine, which is neutral and non-polar, at codon 205 of the FAR1 protein (p.Ile205Val). In summary, the available evidence is currently insufficient to determine the role of this variant in disease. Therefore, it has been classified as a Variant of Uncertain Significance. Algorithms developed to predict the effect of missense changes on protein structure and function (SIFT, PolyPhen-2, Align-GVGD) all suggest that this variant is likely to be tolerated. This variant has not been reported in the literature in individuals affected with FAR1-related conditions. The frequency data for this variant in the population databases is considered unreliable, as metrics indicate poor data quality at this position in the gnomAD database.

NM_032228.6(FAR1):c.613A>G (p.Ile205Val)

Gene: FAR1 (fatty acyl-CoA reductase 1; plus strand). Cytogenetic location: 11p15.3.
Variant type: single nucleotide variant.
Coding change: c.613A>G on transcript NM_032228.6 (MANE Select); coding-DNA position 613, A replaced by G.
Protein change: p.Ile205Val; replaces isoleucine 205 with valine.
Molecular consequence: missense variant.
Genome position (GRCh38, 1-based): chr11:13,710,760, A>G. VCF-style: chr11-13710760-A-G. GRCh37 (hg19) VCF-style: chr11-13732307-A-G.
Other names: short protein forms I205V.
Identifiers: ClinVar variation 1952503 (VCV001952503.5), dbSNP rs1002789464, ClinGen allele CA218130735.
Genomic context (GRCh38, chr11:13,710,760, plus strand): 5'-GATGATGGCCTAGTAAATGATATCACGCCAAAATTGATAGGAGACAGACCTAATACATAC[A>G]TATACACAAAAGCATTGGCAGAATATGTTGTACAACAAGAAGGAGCAAAACTAAATGTGG-3'
Protein context (NP_115604.1, residues 195-215): KLIGDRPNTY[Ile205Val]YTKALAEYVV